The following is an entry in ClinVar:

ClinVar aggregate classification (germline): Pathogenic (1 of 4 stars; one submission).

Conditions:
Inborn genetic diseases. Identifiers: MedGen C0950123, MeSH D030342.

Submission:

Ambry Genetics
Classification: Pathogenic for Inborn genetic diseases. Last evaluated: 2025-10-15. Review status: criteria provided, single submitter. Criteria: Ambry Variant Classification Scheme 2023. Collection method: clinical testing. Allele origin: germline.
Comment: The c.3152_3179delGCTCCATCGACGAGCGCCTCCTGGGGACinsCCTCCTACAGCCATCCCG (p.R1051Pfs*24) alteration, located in exon 21 (coding exon 21) of the SHANK3 gene, consists of a deletion of 28 and insertion of 18 nucleotides causing a translational frameshift at position 3152 with a predicted alternate stop codon after 24 amino acids. This alteration is expected to result in loss of function by premature protein truncation or nonsense-mediated mRNA decay. This variant was not reported in population-based cohorts in the Genome Aggregation Database (gnomAD). Based on the available evidence, this alteration is classified as pathogenic.

NM_033517.1:c.3152_3179delGCTCCATCGACGAGCGCCTCCTGGGGACinsCCTCCTACAGCCATCCCG

Gene: SHANK3 (SH3 and multiple ankyrin repeat domains 3; plus strand).
Variant type: Indel.
Other names: c.3152_3179delGCTCCATCGACGAGCGCCTCCTGGGGACinsCCTCCTACAGCCATCCCG (NM_033517.1).
Identifiers: ClinVar variation 4630869 (VCV004630869.1).